The following is an entry in ClinVar:

ClinVar aggregate classification (germline): Uncertain significance (1 of 4 stars; one submission).

Conditions:
RAB23-related disorder. Also called: RAB23-related condition.

gnomAD v4.1: 1 of 1,613,932 alleles (0.000062%); highest among the groups gnomAD compares: African/African-American, 0.0013%; no homozygotes.

Submission:

PreventionGenetics, part of Exact Sciences
Classification: Uncertain significance for RAB23-related condition. Last evaluated: 2025-03-07. Review status: criteria provided, single submitter. Criteria: ACMG Guidelines, 2015. Collection method: clinical testing. Allele origin: germline.
Comment: The RAB23 c.317A>G variant is predicted to result in the amino acid substitution p.Lys106Arg. To our knowledge, this variant has not been reported in the literature. This variant is reported in 0.011% of alleles in individuals of African descent in gnomAD. At this time, the clinical significance of this variant is uncertain due to the absence of conclusive functional and genetic evidence.

NM_016277.5(RAB23):c.317A>G (p.Lys106Arg)

Gene: RAB23 (RAB23, member RAS oncogene family; minus strand). Cytogenetic location: 6p12.1.
Variant type: single nucleotide variant.
Coding change: c.317A>G on transcript NM_016277.5 (MANE Select); coding-DNA position 317, A replaced by G.
Protein change: p.Lys106Arg; replaces lysine 106 with arginine.
Molecular consequence: missense variant.
Genome position (GRCh38, 1-based): chr6:57,196,531, T>C on the plus strand (A>G on the coding strand, the complement: RAB23 is on the minus strand). VCF-style: chr6-57196531-T-C. GRCh37 (hg19) VCF-style: chr6-57061329-T-C.
Other names: c.317A>G, p.Lys106Arg (NM_001278666.2, NM_001278667.2, NM_001278668.2 and 1 more transcripts); short protein forms K106R.
Identifiers: ClinVar variation 4978083 (VCV004978083.1).
Genomic context (GRCh38, chr6:57,196,531, plus strand): 5'-AGAAGATCAATCTTGTTTTGCACAAGTACAGTTGGTATATCTCCCACTTCGGCTACTACT[T>C]TCTCTCTCCAACTGGAAACTGCTTCAAAAGATTCCCTATCTGTGGTAGAGAACACGAGCA-3'
Protein context (NP_057361.3, residues 96-116): SFEAVSSWRE[Lys106Arg]VVAEVGDIPT